The following is an entry in ClinVar:

NM_024422.6(DSC2):c.721C>T (p.Pro241Ser)

Gene: DSC2 (desmocollin 2; minus strand). Cytogenetic location: 18q12.1.
Variant type: single nucleotide variant.
Coding change: c.721C>T on transcript NM_024422.6 (MANE Select); coding-DNA position 721, C replaced by T.
Protein change: p.Pro241Ser; replaces proline 241 with serine.
Molecular consequence: missense variant.
Genome position (GRCh38, 1-based): chr18:31,087,723, G>A on the plus strand (C>T on the coding strand, the complement: DSC2 is on the minus strand). VCF-style: chr18-31087723-G-A. GRCh37 (hg19) VCF-style: chr18-28667686-G-A.
Other names: c.721C>T, p.Pro241Ser (NM_004949.5); short protein forms P241S.
Identifiers: ClinVar variation 179850 (VCV000179850.9), dbSNP rs727505169, ClinGen allele CA022902.

ClinVar aggregate classification (germline): Uncertain significance. Review status: criteria provided, multiple submitters, no conflicts (2 of 4 stars). 2 submissions from 2 submitters: Uncertain significance (2). Last evaluated 2021-12-30.

Conditions:
Arrhythmogenic right ventricular dysplasia 11. Also called: Arrhythmogenic right ventricular dysplasia 11 with mild palmoplantar keratoderma and woolly hair; Arrhythmogenic Right Ventricular Dysplasia/Cardiomyopathy11; ARRHYTHMOGENIC RIGHT VENTRICULAR DYSPLASIA, FAMILIAL, 11. Identifiers: MedGen C1864850, MONDO:0012506, OMIM 610476.

Submissions (2):

Labcorp Genetics (formerly Invitae), Labcorp
Classification: Uncertain significance for Arrhythmogenic right ventricular dysplasia 11. Last evaluated: 2021-12-30. Review status: criteria provided, single submitter. Criteria: Invitae Variant Classification Sherloc (09022015). Collection method: clinical testing. Allele origin: germline.
Comment: In summary, the available evidence is currently insufficient to determine the role of this variant in disease. Therefore, it has been classified as a Variant of Uncertain Significance. Algorithms developed to predict the effect of missense changes on protein structure and function (SIFT, PolyPhen-2, Align-GVGD) all suggest that this variant is likely to be disruptive. ClinVar contains an entry for this variant (Variation ID: 179850). This missense change has been observed in individual(s) with arrhythmogenic cardiomyopathy and/or hypertrophic cardiomyopathy (PMID: 32746448; Invitae). This variant is not present in population databases (gnomAD no frequency). This sequence change replaces proline, which is neutral and non-polar, with serine, which is neutral and polar, at codon 241 of the DSC2 protein (p.Pro241Ser).

Laboratory for Molecular Medicine, Mass General Brigham Personalized Medicine
Classification: Uncertain significance. Last evaluated: 2014-07-16. Review status: criteria provided, single submitter. Criteria: LMM Criteria. Collection method: clinical testing. Allele origin: germline. Observed: 1 variant allele.
Comment: The Pro241Ser variant in DSC2 has not been previously reported in individuals wi th cardiomyopathy or in large population studies. Computational prediction tools and conservation analysis suggest that this variant may impact the protein, tho ugh this information is not predictive enough to determine pathogenicity. In sum mary, the clinical significance of the Pro241Ser variant is uncertain.

Literature cited by the submitters: PubMed 32746448 (cited by Labcorp Genetics (formerly Invitae), Labcorp).